The following is an entry in ClinVar:

NM_206538.4(EMC10):c.358G>A (p.Asp120Asn)

Gene: EMC10 (ER membrane protein complex subunit 10; plus strand). Cytogenetic location: 19q13.33.
Variant type: single nucleotide variant.
Coding change: c.358G>A on transcript NM_206538.4 (MANE Select); coding-DNA position 358, G replaced by A.
Protein change: p.Asp120Asn; replaces aspartic acid 120 with asparagine.
Molecular consequence: missense variant.
Genome position (GRCh38, 1-based): chr19:50,480,171, G>A. VCF-style: chr19-50480171-G-A. GRCh37 (hg19) VCF-style: chr19-50983428-G-A.
Other names: c.358G>A, p.Asp120Asn (NM_175063.6); short protein forms D120N.
Identifiers: ClinVar variation 2650344 (VCV002650344.24), dbSNP rs554606954, ClinGen allele CA9599031.
Genomic context (GRCh38, chr19:50,480,171, plus strand): 5'-GATGTGGCAGCCCTGAATGGCCTGTACCGGGTCCGGATCCCAAGGCGACCCGGGGCCCTG[G>A]ATGGCCTGGAAGCTGGTGGCTATGTCTCCTCCTTTGTCCCTGCGGTGAGTTGGTGTCGGG-3'
Protein context (NP_996261.1, residues 110-130): VRIPRRPGAL[Asp120Asn]GLEAGGYVSS

ClinVar aggregate classification (germline): Likely benign (1 of 4 stars; one submission).

Allele frequency attached by ClinVar (database versions not stated): TOPMed 0.00012; gnomAD 0.00031; gnomAD exomes 0.00064; ExAC 0.00155; 1000 Genomes Project 30x 0.00219; 1000 Genomes Project 0.00220.
gnomAD v4.1: 997 of 1,613,918 alleles (0.062%); highest among the groups gnomAD compares: South Asian, 0.91%; 13 homozygotes.

Submission:

CeGaT Center for Human Genetics Tuebingen
Classification: Likely benign. Last evaluated: 2026-08-01. Review status: criteria provided, single submitter. Criteria: CeGaT Center For Human Genetics Tuebingen Variant Classification Criteria Version 2. Collection method: clinical testing. Allele origin: germline. Affected: yes. Observed: 7 variant alleles.
Comment: EMC10: BS2